The following is an entry in ClinVar:

NM_020843.4(SCAPER):c.3945A>G (p.Lys1315=)

Gene: SCAPER (S-phase cyclin A associated protein in the ER; minus strand). Cytogenetic location: 15q24.3.
Variant type: single nucleotide variant.
Coding change: c.3945A>G on transcript NM_020843.4 (MANE Select); coding-DNA position 3945, A replaced by G.
Protein change: p.Lys1315=; no amino-acid change (lysine 1315 retained).
Molecular consequence: synonymous variant. On other transcripts: non-coding transcript variant (1).
Genome position (GRCh38, 1-based): chr15:76,354,051, T>C on the plus strand (A>G on the coding strand, the complement: SCAPER is on the minus strand). VCF-style: chr15-76354051-T-C. GRCh37 (hg19) VCF-style: chr15-76646392-T-C.
Other names: c.3207A>G, p.Lys1069= (NM_001145923.2); c.3963A>G, p.Lys1321= (NM_001353009.2); c.3543A>G, p.Lys1181= (NM_001353010.2, NM_001353012.2); c.3561A>G, p.Lys1187= (NM_001353011.2).
Identifiers: ClinVar variation 4977483 (VCV004977483.1).

ClinVar aggregate classification (germline): Uncertain significance (1 of 4 stars; one submission).

Conditions:
SCAPER-related disorder. Also called: SCAPER-related condition.

gnomAD v4.1: 8 of 1,610,262 alleles (0.0005%); highest among the groups gnomAD compares: African/African-American, 0.0013%; no homozygotes.

Submission:

PreventionGenetics, part of Exact Sciences
Classification: Uncertain significance for SCAPER-related condition. Last evaluated: 2025-01-13. Review status: criteria provided, single submitter. Criteria: ACMG Guidelines, 2015. Collection method: clinical testing. Allele origin: germline.
Comment: The SCAPER c.3963A>G variant is not predicted to result in an amino acid change (p.=). To our knowledge, this variant has not been reported in the literature or in a large population database (gnomAD), indicating this variant is rare. At this time, the clinical significance of this variant is uncertain due to the absence of conclusive functional and genetic evidence.